The following is an entry in ClinVar:

NM_003060.4(SLC22A5):c.1A>G (p.Met1Val)

Gene: SLC22A5 (solute carrier family 22 member 5; plus strand). Cytogenetic location: 5q31.1.
Variant type: single nucleotide variant.
Coding change: c.1A>G on transcript NM_003060.4 (MANE Select); coding-DNA position 1, A replaced by G.
Protein change: p.Met1Val; changes the start codon (methionine 1).
Molecular consequence: missense variant, initiator codon variant.
Genome position (GRCh38, 1-based): chr5:132,369,973, A>G. VCF-style: chr5-132369973-A-G. GRCh37 (hg19) VCF-style: chr5-131705665-A-G.
Other names: c.1A>G, p.Met1Val (NM_001308122.2); short protein forms M1V.
Identifiers: ClinVar variation 553595 (VCV000553595.5), dbSNP rs774971089, ClinGen allele CA3403763.

ClinVar aggregate classification (germline): Pathogenic. Review status: criteria provided, single submitter (1 of 4 stars). 2 submissions from 2 submitters: Pathogenic (1). 1 of the submissions does not count toward it. Last evaluated 2024-02-02.

Conditions:
Renal carnitine transport defect (CDSP). Also called: Systemic primary carnitine deficiency disease; CARNITINE DEFICIENCY, SYSTEMIC, DUE TO DEFECT IN RENAL REABSORPTION OF CARNITINE; CARNITINE TRANSPORTER, PLASMA-MEMBRANE, DEFICIENCY OF; CARNITINE UPTAKE DEFECT; Primary carnitine deficiency; Systemic primary carnitine deficiency. Identifiers: Orphanet 158, MedGen C0342788, MONDO:0008919, OMIM 212140.

Allele frequency attached by ClinVar (database versions not stated): ExAC 0.00001.

Submissions (2):

Labcorp Genetics (formerly Invitae), Labcorp
Classification: Pathogenic for Renal carnitine transport defect. Last evaluated: 2024-02-02. Review status: criteria provided, single submitter. Criteria: Invitae Variant Classification Sherloc (09022015). Collection method: clinical testing. Allele origin: germline.
Comment: This sequence change affects the initiator methionine of the SLC22A5 mRNA. The next in-frame methionine is located at codon 177. This variant is not present in population databases (gnomAD no frequency). Disruption of the initiator codon has been observed in individual(s) with primary carnitine deficiency (PMID: 15714519). ClinVar contains an entry for this variant (Variation ID: 553595). Algorithms developed to predict the effect of variants on protein structure and function are not available or were not evaluated for this variant. Experimental studies have shown that disruption of the initiator codon affects SLC22A5 function (PMID: 15714519). This variant disrupts a region of the SLC22A5 protein in which other variant(s) (p.Phe17Leu) have been determined to be pathogenic (PMID: 16931768, 20074989, 20574985, 25132046). This suggests that this is a clinically significant region of the protein, and that variants that disrupt it are likely to be disease-causing. For these reasons, this variant has been classified as Pathogenic.

Counsyl
Classification: Likely pathogenic for Renal carnitine transport defect. Last evaluated: 2017-08-30. Review status: no assertion criteria provided. Collection method: clinical testing. Allele origin: unknown. Not counted in ClinVar's aggregate classification.

Literature cited by the submitters: PubMed 15714519 (cited by Labcorp Genetics (formerly Invitae), Labcorp); PubMed 16931768 (cited by Labcorp Genetics (formerly Invitae), Labcorp); PubMed 20074989 (cited by Labcorp Genetics (formerly Invitae), Labcorp); PubMed 20574985 (cited by Labcorp Genetics (formerly Invitae), Labcorp); PubMed 25132046 (cited by Labcorp Genetics (formerly Invitae), Labcorp).